The following is an entry in ClinVar:

ClinVar aggregate classification (germline): Likely pathogenic (1 of 4 stars; one submission).

Conditions:
Developmental and epileptic encephalopathy, 42 (DEE42A). Also called: Epileptic encephalopathy, early infantile, 42; DEVELOPMENTAL AND EPILEPTIC ENCEPHALOPATHY 42A; EPILEPTIC ENCEPHALOPATHY, EARLY INFANTILE, 42A. Identifiers: MedGen C4310716, MONDO:0014917, OMIM 617106.
Episodic ataxia type 2 (EA2). Also called: ACETAZOLAMIDE-RESPONSIVE HEREDITARY PAROXYSMAL CEREBELLAR ATAXIA; ATAXIA, EPISODIC, WITH NYSTAGMUS; ATAXIA, FAMILIAL PAROXYSMAL; CEREBELLAR ATAXIA, PAROXYSMAL, ACETAZOLAMIDE-RESPONSIVE; CEREBELLOPATHY, HEREDITARY PAROXYSMAL; EPISODIC ATAXIA, NYSTAGMUS-ASSOCIATED. Identifiers: Orphanet 97, MedGen C1720416, MONDO:0007163, OMIM 108500.

Submission:

Labcorp Genetics (formerly Invitae), Labcorp
Classification: Likely pathogenic for Developmental and epileptic encephalopathy, 42; Episodic ataxia type 2. Last evaluated: 2023-03-10. Review status: criteria provided, single submitter. Criteria: Invitae Variant Classification Sherloc (09022015). Collection method: clinical testing. Allele origin: germline.
Comment: This sequence change replaces glycine, which is neutral and non-polar, with arginine, which is basic and polar, at codon 230 of the CACNA1A protein (p.Gly230Arg). This variant is not present in population databases (gnomAD no frequency). This variant has not been reported in the literature in individuals affected with CACNA1A-related conditions. ClinVar contains an entry for this variant (Variation ID: 1004540). Advanced modeling of protein sequence and biophysical properties (such as structural, functional, and spatial information, amino acid conservation, physicochemical variation, residue mobility, and thermodynamic stability) performed at Invitae indicates that this missense variant is expected to disrupt CACNA1A protein function. This variant disrupts the p.Gly230 amino acid residue in CACNA1A. Other variant(s) that disrupt this residue have been determined to be pathogenic (PMID: 31468518). This suggests that this residue is clinically significant, and that variants that disrupt this residue are likely to be disease-causing. In summary, the currently available evidence indicates that the variant is pathogenic, but additional data are needed to prove that conclusively. Therefore, this variant has been classified as Likely Pathogenic.

Literature cited by the submitters: PubMed 31468518.

NM_001127222.2(CACNA1A):c.688G>C (p.Gly230Arg)

Gene: CACNA1A (calcium voltage-gated channel subunit alpha1 A; minus strand). Cytogenetic location: 19p13.13.
Variant type: single nucleotide variant.
Coding change: c.688G>C on transcript NM_001127222.2 (MANE Select); coding-DNA position 688, G replaced by C.
Protein change: p.Gly230Arg; replaces glycine 230 with arginine.
Molecular consequence: missense variant.
Genome position (GRCh38, 1-based): chr19:13,365,413, C>G on the plus strand (G>C on the coding strand, the complement: CACNA1A is on the minus strand). VCF-style: chr19-13365413-C-G. GRCh37 (hg19) VCF-style: chr19-13476227-C-G.
Other names: c.688G>C, p.Gly230Arg (NM_000068.4, NM_001127221.2, NM_001174080.2 and 1 more transcripts); short protein forms G230R.
Identifiers: ClinVar variation 1004540 (VCV001004540.12), dbSNP rs1555774859, ClinGen allele CA404348566.